The following is an entry in ClinVar:

NM_000117.3(EMD):c.411C>T (p.Asp137=)

Gene: EMD (emerin; plus strand). Cytogenetic location: Xq28.
Variant type: single nucleotide variant.
Coding change: c.411C>T on transcript NM_000117.3 (MANE Select); coding-DNA position 411, C replaced by T.
Protein change: p.Asp137=; no amino-acid change (aspartic acid 137 retained).
Molecular consequence: synonymous variant.
Genome position (GRCh38, 1-based): chrX:154,380,764, C>T. VCF-style: chrX-154380764-C-T. GRCh37 (hg19) VCF-style: chrX-153609124-C-T.
Other names: c.411C>T (NM_000117.2).
Identifiers: ClinVar variation 1597339 (VCV001597339.11), dbSNP rs2148128718, ClinGen allele CA519709708.

ClinVar aggregate classification (germline): Likely benign. Review status: criteria provided, multiple submitters, no conflicts (2 of 4 stars). 3 submissions from 3 submitters: Likely benign (3). Last evaluated 2026-05-01.

Conditions:
Cardiovascular phenotype. Identifiers: MedGen CN230736.
X-linked Emery-Dreifuss muscular dystrophy. Also called: Muscular dystrophy, tardive Emery-Dreifuss type, with contractures. Identifiers: Orphanet 261, Orphanet 98863, MedGen C0751337, MONDO:0010680.

Submissions (3):

CeGaT Center for Human Genetics Tuebingen
Classification: Likely benign. Last evaluated: 2026-05-01. Review status: criteria provided, single submitter. Criteria: CeGaT Center For Human Genetics Tuebingen Variant Classification Criteria Version 2. Collection method: clinical testing. Allele origin: germline. Affected: yes. Observed: 1 variant allele.
Comment: EMD: BP4, BP7

Labcorp Genetics (formerly Invitae), Labcorp
Classification: Likely benign for X-linked Emery-Dreifuss muscular dystrophy. Last evaluated: 2024-02-23. Review status: criteria provided, single submitter. Criteria: Invitae Variant Classification Sherloc (09022015). Collection method: clinical testing. Allele origin: germline.

Ambry Genetics
Classification: Likely benign for Cardiovascular phenotype. Last evaluated: 2023-01-18. Review status: criteria provided, single submitter. Criteria: Ambry Variant Classification Scheme 2023. Collection method: clinical testing. Allele origin: germline.